The following is an entry in ClinVar:

ClinVar aggregate classification (germline): Uncertain significance (1 of 4 stars; one submission).

Conditions:
Generalized epilepsy-paroxysmal dyskinesia syndrome (PNKD3). Also called: Paroxysmal nonkinesigenic dyskinesia, 3, with or without generalized epilepsy; Generalized epilepsy and paroxysmal dyskinesia. Identifiers: Orphanet 79137, MedGen C5574945, MONDO:0012276, OMIM 609446.

Submission:

Labcorp Genetics (formerly Invitae), Labcorp
Classification: Uncertain significance for Generalized epilepsy-paroxysmal dyskinesia syndrome. Last evaluated: 2022-07-11. Review status: criteria provided, single submitter. Criteria: Invitae Variant Classification Sherloc (09022015). Collection method: clinical testing. Allele origin: germline.
Comment: In summary, the available evidence is currently insufficient to determine the role of this variant in disease. Therefore, it has been classified as a Variant of Uncertain Significance. Algorithms developed to predict the effect of missense changes on protein structure and function (SIFT, PolyPhen-2, Align-GVGD) all suggest that this variant is likely to be disruptive. This variant has not been reported in the literature in individuals affected with KCNMA1-related conditions. This variant is not present in population databases (gnomAD no frequency). This sequence change replaces histidine, which is basic and polar, with arginine, which is basic and polar, at codon 529 of the KCNMA1 protein (p.His529Arg).

NM_001161352.2(KCNMA1):c.1586A>G (p.His529Arg)

Gene: KCNMA1 (potassium calcium-activated channel subfamily M alpha 1; minus strand). Cytogenetic location: 10q22.3.
Variant type: single nucleotide variant.
Coding change: c.1586A>G on transcript NM_001161352.2 (MANE Select); coding-DNA position 1586, A replaced by G.
Protein change: p.His529Arg; replaces histidine 529 with arginine.
Molecular consequence: missense variant.
Genome position (GRCh38, 1-based): chr10:77,079,488, T>C on the plus strand (A>G on the coding strand, the complement: KCNMA1 is on the minus strand). VCF-style: chr10-77079488-T-C. GRCh37 (hg19) VCF-style: chr10-78839246-T-C.
Other names: c.1586A>G, p.His529Arg (NM_001014797.3, NM_001161353.2, NM_001322830.2 and 8 more transcripts); c.1424A>G, p.His475Arg (NM_001271518.2); c.1046A>G, p.His349Arg (NM_001322838.2); short protein forms H475R, H349R, H529R.
Identifiers: ClinVar variation 1993901 (VCV001993901.4), dbSNP rs2550746794, ClinGen allele CA377405900.
Genomic context (GRCh38, chr10:77,079,488, plus strand): 5'-GGCTGGACCTGTGGATGGGTCTTCAGACCTGGAGCGGGCTCTCGCACTCCTACCTTGTTG[T>C]GATACTGCAGCATTTGAGTGATGATTCTTATCTTCGGATGGTAGTTCTTTATGGAGATTA-3'
Protein context (NP_001154824.1, residues 519-539): IRIITQMLQY[His529Arg]NKAHLLNIPS